The following is an entry in ClinVar:

ClinVar aggregate classification (germline): Pathogenic. Review status: criteria provided, multiple submitters, no conflicts (2 of 4 stars). 3 submissions from 3 submitters: Pathogenic (2). 1 of the submissions does not count toward it. Last evaluated 2024-10-04.

Conditions:
Metachromatic leukodystrophy (MLD). Also called: ARSA DEFICIENCY; Cerebral sclerosis diffuse metachromatic form; Arylsulfatase A Deficiency; SULFATIDE LIPIDOSIS; CEREBROSIDE SULFATASE DEFICIENCY; METACHROMATIC LEUKOENCEPHALOPATHY. Identifiers: Orphanet 512, MedGen C0023522, MONDO:0018868, OMIM 250100.

Submissions (3):

Dubai Health Genomic Medicine Center, Dubai Health
Classification: Pathogenic for Metachromatic leukodystrophy. Last evaluated: 2024-10-04. Review status: criteria provided, single submitter. Criteria: ACMG Guidelines, 2015. Collection method: research. Allele origin: germline. Affected: yes.
Comment: PVS1,PP4,PM2

Foundation for Research in Genetics and Endocrinology, FRIGE's Institute of Human Genetics
Classification: Pathogenic for Metachromatic leukodystrophy. Last evaluated: 2022-08-06. Review status: criteria provided, single submitter. Criteria: ACMG Guidelines, 2015. Collection method: clinical testing. Allele origin: germline. Affected: yes. Observed: 1 homozygote.
Comment: A homozygous five base pair deletion in exon 5 of the ARSA gene that results in a frameshift and premature truncation of the protein 60 amino acids downstream to codon 298 was detected. This variant has not been reported in the 1000 genomes and gnomAD databases. The in silico prediction of the variant is damaging MutationTaster2. The reference region is conserved across species. In summary, the variant meets our criteria to be classified as pathogenic.

Dr.Nikuei Genetic Center
Classification: Pathogenic for Metachromatic leukodystrophy. Review status: no assertion criteria provided. Collection method: clinical testing. Allele origin: germline. Affected: yes. Not counted in ClinVar's aggregate classification.

NM_000487.6(ARSA):c.891_895del (p.Gly298fs)

Gene: ARSA (arylsulfatase A; minus strand). Cytogenetic location: 22q13.33.
Variant type: Deletion.
Coding change: c.891_895del on transcript NM_000487.6 (MANE Select); coding-DNA positions 891 to 895, 5 bases deleted (CGGTC; older notation c.891_895delCGGTC).
Protein change: p.Gly298fs; shifts the reading frame from glycine 298.
Molecular consequence: frameshift variant.
Genome position (GRCh38, 1-based): chr22:50,626,238-50,626,242, GACCG deleted on the plus strand (CGGTC on the coding strand, the reverse complement: ARSA is on the minus strand); deleting any 5 consecutive bases within chr22:50,626,238-50,626,244 gives the same sequence; the c. name uses the placement nearest the transcript's 3' end. VCF-style (leftmost placement, unchanged base first): chr22-50626237-AGACCG-A. GRCh37 (hg19) VCF-style: chr22-51064665-AGACCG-A.
Other names: p.Gly298LeufsTer60; c.891_895del, p.Gly298fs (NM_001085425.3, NM_001085426.3, NM_001085427.3); c.633_637del, p.Gly212fs (NM_001085428.3, NM_001362782.2); short protein forms G212fs, G298fs.
Identifiers: ClinVar variation 1707618 (VCV001707618.5), dbSNP rs2518327296, ClinGen allele CA2580099941.